The following is an entry in ClinVar:

NM_015915.5(ATL1):c.523-112A>G

Gene: ATL1 (atlastin GTPase 1; plus strand). Cytogenetic location: 14q22.1.
Variant type: single nucleotide variant.
Coding change: c.523-112A>G on transcript NM_015915.5 (MANE Select); 112 bases into the intron before coding-DNA position 523, A replaced by G.
Molecular consequence: intron variant.
Genome position (GRCh38, 1-based): chr14:50,593,734, A>G. VCF-style: chr14-50593734-A-G. GRCh37 (hg19) VCF-style: chr14-51060452-A-G.
Other names: c.523-112A>G (NM_001127713.1, NM_181598.4).
Identifiers: ClinVar variation 678058 (VCV000678058.2), dbSNP rs2291672, ClinGen allele CA260775654.
Genomic context (GRCh38, chr14:50,593,734, plus strand): 5'-GTCTCTCAAGCTTATTTTACTTCTCTCTCAAGGTCTTACAAATATCATGTAAGCATGTAC[A>G]TAAGAGAGTCCATTTTGTGGTAACTGATATTTTTAAAAGTAGGGAATGATGAAGTAAGTG-3'

ClinVar aggregate classification (germline): Benign. Review status: criteria provided, multiple submitters, no conflicts (2 of 4 stars). 2 submissions from 2 submitters: Benign (2). Last evaluated 2018-06-14.

Allele frequency attached by ClinVar (database versions not stated): gnomAD exomes 0.74527; gnomAD 0.80189; TOPMed 0.80525; 1000 Genomes Project 0.82169; 1000 Genomes Project 30x 0.82558.
gnomAD v4.1: 531,272 of 702,488 alleles (76%); highest among the groups gnomAD compares: African/African-American, 93%; 202,716 homozygotes.

Submissions (2):

GeneDx
Classification: Benign. Last evaluated: 2018-06-14. Review status: criteria provided, single submitter. Criteria: GeneDx Variant Classification (06012015). Collection method: clinical testing. Allele origin: germline. Affected: yes.
Comment: This variant is considered likely benign or benign based on one or more of the following criteria: it is a conservative change, it occurs at a poorly conserved position in the protein, it is predicted to be benign by multiple in silico algorithms, and/or has population frequency not consistent with disease.

Breakthrough Genomics
Classification: Benign. Review status: criteria provided, single submitter. Criteria: ACMG Guidelines, 2015. Collection method: not provided. Allele origin: germline. Inheritance: Autosomal dominant inheritance. Affected: yes.